The following is an entry in ClinVar:

ClinVar aggregate classification (germline): Uncertain significance. Review status: criteria provided, multiple submitters, no conflicts (2 of 4 stars). 2 submissions from 2 submitters: Uncertain significance (2). Last evaluated 2024-12-03.

Conditions:
Inborn genetic diseases. Identifiers: MedGen C0950123, MeSH D030342.

Allele frequency attached by ClinVar (database versions not stated): gnomAD 0.00001; gnomAD exomes 0.00004 and 0.00017; TOPMed 0.00007; ExAC 0.00018.
gnomAD v4.1: 59 of 1,614,076 alleles (0.0037%); highest among the groups gnomAD compares: Admixed American, 0.077%; no homozygotes.

Submissions (2):

Labcorp Genetics (formerly Invitae), Labcorp
Classification: Uncertain significance. Last evaluated: 2024-12-03. Review status: criteria provided, single submitter. Criteria: Invitae Variant Classification Sherloc (09022015). Collection method: clinical testing. Allele origin: germline.
Comment: This sequence change replaces valine, which is neutral and non-polar, with isoleucine, which is neutral and non-polar, at codon 1409 of the SPEG protein (p.Val1409Ile). This variant is present in population databases (rs756677359, gnomAD 0.1%). This variant has not been reported in the literature in individuals affected with SPEG-related conditions. ClinVar contains an entry for this variant (Variation ID: 1517526). An algorithm developed to predict the effect of missense changes on protein structure and function outputs the following: PolyPhen-2: "Benign". The isoleucine amino acid residue is found in multiple mammalian species, which suggests that this missense change does not adversely affect protein function. In summary, the available evidence is currently insufficient to determine the role of this variant in disease. Therefore, it has been classified as a Variant of Uncertain Significance.

Ambry Genetics
Classification: Uncertain significance for Inborn genetic diseases. Last evaluated: 2024-10-20. Review status: criteria provided, single submitter. Criteria: Ambry Variant Classification Scheme 2023. Collection method: clinical testing. Allele origin: germline.

NM_005876.5(SPEG):c.4225G>A (p.Val1409Ile)

Gene: SPEG (striated muscle enriched protein kinase; plus strand). Cytogenetic location: 2q35.
Variant type: single nucleotide variant.
Coding change: c.4225G>A on transcript NM_005876.5 (MANE Select); coding-DNA position 4225, G replaced by A.
Protein change: p.Val1409Ile; replaces valine 1409 with isoleucine.
Molecular consequence: missense variant.
Genome position (GRCh38, 1-based): chr2:219,473,581, G>A. VCF-style: chr2-219473581-G-A. GRCh37 (hg19) VCF-style: chr2-220338303-G-A.
Other names: c.4225G>A (NM_005876.4); short protein forms V1409I.
Identifiers: ClinVar variation 1517526 (VCV001517526.5), dbSNP rs756677359, ClinGen allele CA2126438.
Genomic context (GRCh38, chr2:219,473,581, plus strand): 5'-GCCCCTGCCATGCTGGACAAACCAGACATCGTGTATGTGGTGGAGGGACAGCCTGCCAGC[G>A]TCACCGTCACATTCAACCATGTGGAGGCCCAGGTCGTCTGGAGGAGGTGGGCCCCTTTCC-3'
Protein context (NP_005867.3, residues 1399-1419): VYVVEGQPAS[Val1409Ile]TVTFNHVEAQ